The following is an entry in ClinVar:

NM_015386.3(COG4):c.530G>A (p.Arg177Gln)

Gene: COG4 (component of oligomeric golgi complex 4; minus strand). Cytogenetic location: 16q22.1.
Variant type: single nucleotide variant.
Coding change: c.530G>A on transcript NM_015386.3 (MANE Select); coding-DNA position 530, G replaced by A.
Protein change: p.Arg177Gln; replaces arginine 177 with glutamine.
Molecular consequence: missense variant. On other transcripts: non-coding transcript variant (1).
Genome position (GRCh38, 1-based): chr16:70,514,349, C>T on the plus strand (G>A on the coding strand, the complement: COG4 is on the minus strand). VCF-style: chr16-70514349-C-T. GRCh37 (hg19) VCF-style: chr16-70548252-C-T.
Other names: c.518G>A, p.Arg173Gln (NM_001195139.2); c.104G>A, p.Arg35Gln (NM_001365426.1); short protein forms R173Q, R177Q, R35Q.
Identifiers: ClinVar variation 2250917 (VCV002250917.3), dbSNP rs780069736, ClinGen allele CA8144662.

ClinVar aggregate classification (germline): Uncertain significance. Review status: criteria provided, multiple submitters, no conflicts (2 of 4 stars). 2 submissions from 2 submitters: Uncertain significance (2). Last evaluated 2025-01-29.

Conditions:
Inborn genetic diseases. Identifiers: MedGen C0950123, MeSH D030342.

Allele frequency attached by ClinVar (database versions not stated): gnomAD 0.00001; gnomAD exomes 0.00001; TOPMed 0.00001; ExAC 0.00002.
gnomAD v4.1: 13 of 1,614,062 alleles (0.00081%); highest among the groups gnomAD compares: African/African-American, 0.0027%; no homozygotes.

Submissions (2):

GeneDx
Classification: Uncertain significance. Last evaluated: 2025-01-29. Review status: criteria provided, single submitter. Criteria: GeneDx Variant Classification Process June 2021. Collection method: clinical testing. Allele origin: germline. Affected: yes.
Comment: De novo variant with confirmed parentage in patients in published literature from cohorts of individuals with neurodevelopmental disorders; however, detailed clinical information was not provided, and the patients harbored additional de novo variants (PMID: 31785789, 33057194); Not observed at significant frequency in large population cohorts (gnomAD); In silico analysis indicates that this missense variant does not alter protein structure/function; This variant is associated with the following publications: (PMID: 31785789, 33057194, 35982159)

Ambry Genetics
Classification: Uncertain significance for Inborn genetic diseases. Last evaluated: 2021-09-16. Review status: criteria provided, single submitter. Criteria: Ambry Variant Classification Scheme 2023. Collection method: clinical testing. Allele origin: germline.